The following is an entry in ClinVar:

NM_004385.5(VCAN):c.4546A>G (p.Lys1516Glu)

Genes: VCAN (versican; plus strand), VCAN-AS1 (VCAN antisense RNA 1; minus strand). Cytogenetic location: 5q14.3.
Variant type: single nucleotide variant.
Coding change: c.4546A>G on transcript NM_004385.5 (MANE Select); coding-DNA position 4546, A replaced by G.
Protein change: p.Lys1516Glu; replaces lysine 1516 with glutamic acid.
Molecular consequence: missense variant. On other transcripts: intron variant (2).
Genome position (GRCh38, 1-based): chr5:83,537,549, A>G. VCF-style: chr5-83537549-A-G. GRCh37 (hg19) VCF-style: chr5-82833368-A-G.
Other names: c.1585A>G, p.Lys529Glu (NM_001164097.2); c.4004-7988A>G (NM_001164098.2); c.1043-7988A>G (NM_001126336.3); short protein forms K1516E, K529E.
Identifiers: ClinVar variation 198795 (VCV000198795.23), dbSNP rs144610900, ClinGen allele CA247629.
Genomic context (GRCh38, chr5:83,537,549, plus strand): 5'-GGTGAGCCTGATGTTTTCCCCACAGTCCCATTCCATGAGGAATTTGAAAGTGGAACAGCC[A>G]AAAAAGGGGCAGAATCAGTCACAGAGAGAGATACTGAAGTTGGTCATCAGGCACATGAAC-3'
Protein context (NP_004376.2, residues 1506-1526): FHEEFESGTA[Lys1516Glu]KGAESVTERD

ClinVar aggregate classification (germline): Conflicting classifications of pathogenicity. Review status: criteria provided, conflicting classifications (1 of 4 stars). 6 submissions from 6 submitters: Uncertain significance (1); Benign (3); Likely benign (2). Last evaluated 2026-01-05.

Conditions:
VCAN-related disorder. Also called: VCAN-related condition.
Inborn genetic diseases. Identifiers: MedGen C0950123, MeSH D030342.
Vitreoretinopathy. Also called: Vitreoretinal degeneration. Identifiers: MedGen C0344290, MONDO:0020248, HP:0007773.

Allele frequency attached by ClinVar (database versions not stated): gnomAD 0.00014 and 0.00022; gnomAD exomes 0.00023 and 0.00050; TOPMed 0.00026; ExAC 0.00055; 1000 Genomes Project 0.00100; 1000 Genomes Project 30x 0.00109.
gnomAD v4.1: 368 of 1,613,806 alleles (0.023%); highest among the groups gnomAD compares: East Asian, 0.65%; 1 homozygote.

Submissions (6):

Labcorp Genetics (formerly Invitae), Labcorp
Classification: Benign. Last evaluated: 2026-01-05. Review status: criteria provided, single submitter. Criteria: Invitae Variant Classification Sherloc (09022015). Collection method: clinical testing. Allele origin: germline.

PreventionGenetics, part of Exact Sciences
Classification: Likely benign for VCAN-related condition. Last evaluated: 2025-10-19. Review status: criteria provided, single submitter. Criteria: ACMG Guidelines, 2015. Collection method: clinical testing. Allele origin: germline.
Comment: This variant is classified as likely benign based on ACMG/AMP sequence variant interpretation guidelines (Richards et al. 2015 PMID: 25741868, with internal and published modifications).

Ambry Genetics
Classification: Uncertain significance for Inborn genetic diseases. Last evaluated: 2025-04-14. Review status: criteria provided, single submitter. Criteria: Ambry Variant Classification Scheme 2023. Collection method: clinical testing. Allele origin: germline.

Blueprint Genetics
Classification: Likely benign. Last evaluated: 2024-11-19. Review status: criteria provided, single submitter. Criteria: ACMG Guidelines, 2015. Collection method: clinical testing. Allele origin: germline.

Illumina Laboratory Services, Illumina
Classification: Benign for Vitreoretinopathy. Last evaluated: 2018-01-13. Review status: criteria provided, single submitter. Criteria: ICSL Variant Classification Criteria 13 December 2019. Collection method: clinical testing. Allele origin: germline.
Comment: This variant was observed in the ICSL laboratory as part of a predisposition screen in an ostensibly healthy population. It had not been previously curated by ICSL or reported in the Human Gene Mutation Database (HGMD: prior to June 1st, 2018), and was therefore a candidate for classification through an automated scoring system. Utilizing variant allele frequency, disease prevalence and penetrance estimates, and inheritance mode, an automated score was calculated to assess if this variant is too frequent to cause the disease. Based on the score and internal cut-off values, a variant classified as benign is not then subjected to further curation. The score for this variant resulted in a classification of benign for this disease.

Eurofins Ntd Llc (ga)
Classification: Benign. Last evaluated: 2016-08-18. Review status: criteria provided, single submitter. Criteria: EGL Classification Definitions 2015. Collection method: clinical testing. Allele origin: germline. Observed: 2 variant alleles, 2 heterozygotes.